The following is an entry in ClinVar:

ClinVar aggregate classification (germline): Likely benign (0 of 4 stars; one submission).

Conditions:
PDCD1-related disorder. Also called: PDCD1-related condition.

Allele frequency attached by ClinVar (database versions not stated): ExAC 0.00001; gnomAD exomes 0.00001; gnomAD 0.00005; TOPMed 0.00006.
gnomAD v4.1: 16 of 1,553,738 alleles (0.001%); highest among the groups gnomAD compares: African/African-American, 0.019%; no homozygotes.

Submission:

PreventionGenetics, part of Exact Sciences
Classification: Likely benign for PDCD1-related condition. Last evaluated: 2019-06-05. Review status: no assertion criteria provided. Collection method: clinical testing. Allele origin: germline.
Comment: This variant is classified as likely benign based on ACMG/AMP sequence variant interpretation guidelines (Richards et al. 2015 PMID: 25741868, with internal and published modifications).

NM_005018.3(PDCD1):c.437-8C>T

Gene: PDCD1 (programmed cell death 1; minus strand). Cytogenetic location: 2q37.3.
Variant type: single nucleotide variant.
Coding change: c.437-8C>T on transcript NM_005018.3 (MANE Select); 8 bases into the intron before coding-DNA position 437, C replaced by T.
Molecular consequence: intron variant.
Genome position (GRCh38, 1-based): chr2:241,852,361, G>A on the plus strand (C>T on the coding strand, the complement: PDCD1 is on the minus strand). VCF-style: chr2-241852361-G-A. GRCh37 (hg19) VCF-style: chr2-242794513-G-A.
Identifiers: ClinVar variation 3039619 (VCV003039619.2), dbSNP rs760386033, ClinGen allele CA2223345.